The following is an entry in ClinVar:

ClinVar aggregate classification (germline): Uncertain significance. Review status: criteria provided, multiple submitters, no conflicts (2 of 4 stars). 2 submissions from 2 submitters: Uncertain significance (2). Last evaluated 2025-04-18.

Conditions:
SAMD9-related disorder. Also called: SAMD9-related condition.

Submissions (2):

PreventionGenetics, part of Exact Sciences
Classification: Uncertain significance for SAMD9-related condition. Last evaluated: 2025-04-18. Review status: criteria provided, single submitter. Criteria: ACMG Guidelines, 2015. Collection method: clinical testing. Allele origin: germline.
Comment: The SAMD9 c.2273delT variant is predicted to result in a frameshift and premature protein termination (p.Phe758Serfs*6). To our knowledge, this variant has not been reported in the literature or in a large population database (gnomAD), indicating this variant is rare. Loss of function is not an established mechanism of SAMD9-related disease. Although we suspect that this variant may be pathogenic, at this time, the clinical significance of this variant is uncertain due to the absence of conclusive functional and genetic evidence.

Labcorp Genetics (formerly Invitae), Labcorp
Classification: Uncertain significance. Last evaluated: 2022-02-13. Review status: criteria provided, single submitter. Criteria: Invitae Variant Classification Sherloc (09022015). Collection method: clinical testing. Allele origin: germline.
Comment: This variant is not present in population databases (gnomAD no frequency). This sequence change creates a premature translational stop signal (p.Phe758Serfs*6) in the SAMD9 gene. While this is not anticipated to result in nonsense mediated decay, it is expected to disrupt the last 832 amino acid(s) of the SAMD9 protein. This variant has not been reported in the literature in individuals affected with SAMD9-related conditions. Experimental studies and prediction algorithms are not available or were not evaluated, and the functional significance of this variant is currently unknown. In summary, the available evidence is currently insufficient to determine the role of this variant in disease. Therefore, it has been classified as a Variant of Uncertain Significance.

NM_017654.4(SAMD9):c.2273del (p.Phe758fs)

Gene: SAMD9 (sterile alpha motif domain containing 9; minus strand). Cytogenetic location: 7q21.2.
Variant type: Deletion.
Coding change: c.2273del on transcript NM_017654.4 (MANE Select); coding-DNA position 2273, one base deleted (T; older notation c.2273delT).
Protein change: p.Phe758fs; shifts the reading frame from phenylalanine 758.
Molecular consequence: frameshift variant.
Genome position (GRCh38, 1-based): chr7:93,103,825, A deleted on the plus strand (T on the coding strand, the reverse complement: SAMD9 is on the minus strand); the first of 2 consecutive A bases (chr7:93,103,825-93,103,826); deleting either gives the same sequence. VCF-style (leftmost placement, unchanged base first): chr7-93103824-GA-G. GRCh37 (hg19) VCF-style: chr7-92733137-GA-G.
Other names: c.2273del, p.Phe758fs (NM_001193307.2); c.2273delT (NM_017654.3); short protein forms F758fs.
Identifiers: ClinVar variation 2093605 (VCV002093605.5), dbSNP rs2535358644, ClinGen allele CA2580077979.